The following is an entry in ClinVar:

NM_004830.4(MED23):c.2642_2645delinsAAATGAA (p.Val881_Cys882delinsGluMetAsn)

Gene: MED23 (mediator complex subunit 23; minus strand). Cytogenetic location: 6q23.2.
Variant type: Indel.
Coding change: c.2642_2645delinsAAATGAA on transcript NM_004830.4 (MANE Select); coding-DNA positions 2642 to 2645, TTTG replaced by AAATGAA.
Protein change: p.Val881_Cys882delinsGluMetAsn.
Molecular consequence: inframe indel. On other transcripts: intron variant (1), splice donor variant (2).
Genome position (GRCh38, 1-based): chr6:131,596,651-131,596,654, CAAA replaced by TTCATTT on the plus strand (TTTG replaced by AAATGAA on the coding strand, the reverse complement: MED23 is on the minus strand). VCF-style: chr6-131596651-CAAA-TTCATTT. GRCh37 (hg19) VCF-style: chr6-131917791-CAAA-TTCATTT.
Other names: c.2642_2645delinsAAATGAA, p.Val881_Cys882delinsGluMetAsn (NM_001270521.2, NM_001270522.2); c.2660_2663delinsAAATGAA, p.Val887_Cys888delinsGluMetAsn (NM_001376517.1, NM_015979.4); c.2588_2591delinsAAATGAA, p.Val863_Cys864delinsGluMetAsn (NM_001376518.1); c.2501_2504delinsAAATGAA, p.Val834_Cys835delinsGluMetAsn (NM_001376520.1); c.2387_2390delinsAAATGAA, p.Val796_Cys797delinsGluMetAsn (NM_001376523.1); c.2255_2258delinsAAATGAA, p.Val752_Cys753delinsGluMetAsn (NM_001376524.1); c.2608-491_2608-488delinsAAATGAA (NM_001376522.1); c.2640+2_2640+5delinsAAATGAA (NM_001376521.1, NM_001376519.1).
Identifiers: ClinVar variation 1308457 (VCV001308457.2), dbSNP rs2114621308, ClinGen allele CA2573052593.

ClinVar aggregate classification (germline): Uncertain significance (1 of 4 stars; one submission).

Submission:

GeneDx
Classification: Uncertain significance. Last evaluated: 2019-03-28. Review status: criteria provided, single submitter. Criteria: GeneDx Variant Classification Process June 2021. Collection method: clinical testing. Allele origin: germline. Affected: yes.
Comment: Not observed in large population cohorts (Lek et al., 2016); In-frame deletion of 2 amino acids and insertion of 3 amino acids in a non-repeat region; Has not been previously published as pathogenic or benign to our knowledge